The following is an entry in ClinVar:

NM_000562.3(C8A):c.536C>T (p.Thr179Met)

Gene: C8A (complement C8 alpha chain; plus strand). Cytogenetic location: 1p32.2.
Variant type: single nucleotide variant.
Coding change: c.536C>T on transcript NM_000562.3 (MANE Select); coding-DNA position 536, C replaced by T.
Protein change: p.Thr179Met; replaces threonine 179 with methionine.
Molecular consequence: missense variant.
Genome position (GRCh38, 1-based): chr1:56,881,516, C>T. VCF-style: chr1-56881516-C-T. GRCh37 (hg19) VCF-style: chr1-57347189-C-T.
Other names: short protein forms T179M.
Identifiers: ClinVar variation 2082573 (VCV002082573.4), dbSNP rs140970213, ClinGen allele CA875073.
Genomic context (GRCh38, chr1:56,881,516, plus strand): 5'-TGACCCAGGAAGATGCTCAGAGTGTGTACGATGCCAGTTATTATGGGGGCCAGTGTGAGA[C>T]GGTATACAATGGGGAATGGAGGGAGCTTCGATATGACTCCACCTGTGAACGTCTCTACTA-3'
Protein context (NP_000553.1, residues 169-189): DASYYGGQCE[Thr179Met]VYNGEWRELR

ClinVar aggregate classification (germline): Uncertain significance. Review status: criteria provided, multiple submitters, no conflicts (2 of 4 stars). 2 submissions from 2 submitters: Uncertain significance (2). Last evaluated 2025-02-09.

Allele frequency attached by ClinVar (database versions not stated): ExAC 0.00008; ESP Exome Variant Server 0.00031.
gnomAD v4.1: 93 of 1,613,566 alleles (0.0058%); highest among the groups gnomAD compares: African/African-American, 0.091%; 1 homozygote.

Submissions (2):

Ambry Genetics
Classification: Uncertain significance. Last evaluated: 2025-02-09. Review status: criteria provided, single submitter. Criteria: Ambry Variant Classification Scheme 2023. Collection method: clinical testing. Allele origin: germline.

Labcorp Genetics (formerly Invitae), Labcorp
Classification: Uncertain significance. Last evaluated: 2023-08-10. Review status: criteria provided, single submitter. Criteria: Invitae Variant Classification Sherloc (09022015). Collection method: clinical testing. Allele origin: germline.
Comment: This sequence change replaces threonine, which is neutral and polar, with methionine, which is neutral and non-polar, at codon 179 of the C8A protein (p.Thr179Met). This variant is present in population databases (rs140970213, gnomAD 0.07%). This variant has not been reported in the literature in individuals affected with C8A-related conditions. ClinVar contains an entry for this variant (Variation ID: 2082573). Algorithms developed to predict the effect of missense changes on protein structure and function output the following: SIFT: "Not Available"; PolyPhen-2: "Benign"; Align-GVGD: "Not Available". The methionine amino acid residue is found in multiple mammalian species, which suggests that this missense change does not adversely affect protein function. In summary, the available evidence is currently insufficient to determine the role of this variant in disease. Therefore, it has been classified as a Variant of Uncertain Significance.